The following is an entry in ClinVar:

ClinVar aggregate classification (germline): Conflicting classifications of pathogenicity. Review status: criteria provided, conflicting classifications (1 of 4 stars). 3 submissions from 3 submitters: Uncertain significance (2); Likely benign (1). Last evaluated 2025-12-15.

Conditions:
Inborn genetic diseases. Identifiers: MedGen C0950123, MeSH D030342.

Allele frequency attached by ClinVar (database versions not stated): ESP Exome Variant Server 0.00008; ExAC 0.00001.
gnomAD v4.1: 12 of 1,613,728 alleles (0.00074%); highest among the groups gnomAD compares: Middle Eastern, 0.016%; no homozygotes.

Submissions (3):

Labcorp Genetics (formerly Invitae), Labcorp
Classification: Uncertain significance. Last evaluated: 2025-12-15. Review status: criteria provided, single submitter. Criteria: Invitae Variant Classification Sherloc (09022015). Collection method: clinical testing. Allele origin: germline.
Comment: This sequence change replaces alanine, which is neutral and non-polar, with threonine, which is neutral and polar, at codon 28 of the ETV6 protein (p.Ala28Thr). This variant is present in population databases (rs34966596, gnomAD 0.008%). This missense change has been observed in individual(s) with acute lymphoblastic leukaemia (PMID: 26522332). ClinVar contains an entry for this variant (Variation ID: 1337546). Invitae Evidence Modeling of protein sequence and biophysical properties (such as structural, functional, and spatial information, amino acid conservation, physicochemical variation, residue mobility, and thermodynamic stability) indicates that this missense variant is not expected to disrupt ETV6 protein function with a negative predictive value of 80%. In summary, the available evidence is currently insufficient to determine the role of this variant in disease. Therefore, it has been classified as a Variant of Uncertain Significance.

Ambry Genetics
Classification: Likely benign for Inborn genetic diseases. Last evaluated: 2025-03-17. Review status: criteria provided, single submitter. Criteria: Ambry Variant Classification Scheme 2023. Collection method: clinical testing. Allele origin: germline.

Genetic Services Laboratory, University of Chicago
Classification: Uncertain significance. Last evaluated: 2020-03-10. Review status: criteria provided, single submitter. Criteria: ACMG Guidelines, 2015. Collection method: clinical testing. Allele origin: germline. Affected: no.
Comment: DNA sequence analysis of the ETV6 gene demonstrated a sequence change, c.82G>A, in exon 2 that results in an amino acid change, p.Ala28Thr. This sequence change does not appear to have been previously described in patients with ETV6-related disorders and has been described in the gnomAD database in three individuals (dbSNP rs34966596). The p.Ala28Thr change affects a poorly conserved amino acid residue located in a domain of the ETV6 protein that is not known to be functional. The p.Ala28Thr substitution appears to be benign using several in-silico pathogenicity prediction tools (SIFT, PolyPhen2, Align GVGD, REVEL). Due to the lack of functional studies, the clinical significance of the p.Ala28Thr change remains unknown at this time.

Literature cited by the submitters: PubMed 26522332 (cited by Labcorp Genetics (formerly Invitae), Labcorp).

NM_001987.5(ETV6):c.82G>A (p.Ala28Thr)

Gene: ETV6 (ETS variant transcription factor 6; plus strand). Cytogenetic location: 12p13.2.
Variant type: single nucleotide variant.
Coding change: c.82G>A on transcript NM_001987.5 (MANE Select); coding-DNA position 82, G replaced by A.
Protein change: p.Ala28Thr; replaces alanine 28 with threonine.
Molecular consequence: missense variant.
Genome position (GRCh38, 1-based): chr12:11,752,498, G>A. VCF-style: chr12-11752498-G-A. GRCh37 (hg19) VCF-style: chr12-11905432-G-A.
Other names: short protein forms A28T.
Identifiers: ClinVar variation 1337546 (VCV001337546.8), dbSNP rs34966596, ClinGen allele CA6454108.